The following is an entry in ClinVar:

NM_000059.4(BRCA2):c.8331+333A>G

Gene: BRCA2 (BRCA2 DNA repair associated; plus strand). Cytogenetic location: 13q13.1.
Variant type: single nucleotide variant.
Coding change: c.8331+333A>G on transcript NM_000059.4 (MANE Select); 333 bases into the intron after coding-DNA position 8331, A replaced by G.
Molecular consequence: intron variant.
Genome position (GRCh38, 1-based): chr13:32,363,866, A>G. VCF-style: chr13-32363866-A-G. GRCh37 (hg19) VCF-style: chr13-32938003-A-G.
Other names: IVS 18+333A>G.
Identifiers: ClinVar variation 209778 (VCV000209778.3), dbSNP rs11571721, ClinGen allele CA276746.
Genomic context (GRCh38, chr13:32,363,866, plus strand): 5'-TCTTGTTCTCATAGCTTTGCTTTGATCAGATCCCTATTCCACTCTGGATTAGAGAATTAC[A>G]TTTTAGTACTTTTCAAATATGTAATAGATACACTTTTTATCTCTATGTAGATTTTAAACT-3'

ClinVar aggregate classification (germline): Benign. Review status: reviewed by expert panel (3 of 4 stars). 2 submissions from 2 submitters: Benign (1). 1 of the submissions does not count toward it. Last evaluated 2015-01-12.

Conditions:
Breast-ovarian cancer, familial, susceptibility to, 2 (BROVCA2). Also called: BRCA2 Hereditary Breast and Ovarian Cancer. Identifiers: Orphanet 145, MedGen C2675520, MONDO:0012933, OMIM 612555. Disease mechanism: loss of function.

Allele frequency attached by ClinVar (database versions not stated): 1000 Genomes Project 0.01558; gnomAD 0.01574 and 0.01708; 1000 Genomes Project 30x 0.01608; TOPMed 0.01768.
gnomAD v4.1: 2,371 of 152,274 alleles (1.6%); highest among the groups gnomAD compares: African/African-American, 5.5%; 59 homozygotes.

Submissions (2):

Evidence-based Network for the Interpretation of Germline Mutant Alleles (ENIGMA)
Classification: Benign for Breast-ovarian cancer, familial 2. Last evaluated: 2015-01-12. Review status: reviewed by expert panel. Criteria: ENIGMA BRCA1/2 Classification Criteria (2015). Collection method: curation. Allele origin: germline.
Comment: Class 1 not pathogenic based on frequency >1% in an outbred sampleset. Frequency 0.04065 (African), derived from 1000 genomes (2012-04-30).

GeneDx
Classification: Benign. Last evaluated: 2018-07-15. Review status: criteria provided, single submitter. Criteria: GeneDx Variant Classification Process June 2021. Collection method: clinical testing. Allele origin: germline. Affected: yes. Not counted in ClinVar's aggregate classification.